The following is an entry in ClinVar:

NM_173598.6(KSR2):c.2269G>A (p.Val757Ile)

Gene: KSR2 (kinase suppressor of ras 2; minus strand). Cytogenetic location: 12q24.22.
Variant type: single nucleotide variant.
Coding change: c.2269G>A on transcript NM_173598.6 (MANE Select); coding-DNA position 2269, G replaced by A.
Protein change: p.Val757Ile; replaces valine 757 with isoleucine.
Molecular consequence: missense variant.
Genome position (GRCh38, 1-based): chr12:117,485,642, C>T on the plus strand (G>A on the coding strand, the complement: KSR2 is on the minus strand). VCF-style: chr12-117485642-C-T. GRCh37 (hg19) VCF-style: chr12-117923447-C-T.
Other names: short protein forms V757I.
Identifiers: ClinVar variation 2633087 (VCV002633087.5), dbSNP rs371702381, ClinGen allele CA6815771.

ClinVar aggregate classification (germline): Uncertain significance. Review status: criteria provided, multiple submitters, no conflicts (2 of 4 stars). 3 submissions from 3 submitters: Uncertain significance (2). 1 of the submissions does not count toward it. Last evaluated 2025-11-26.

Conditions:
KSR2-related disorder. Also called: KSR2-related condition.

Allele frequency attached by ClinVar (database versions not stated): ExAC 0.00008; gnomAD 0.00011; 1000 Genomes Project 30x 0.00016; ESP Exome Variant Server 0.00017; TOPMed 0.00017; 1000 Genomes Project 0.00020.
gnomAD v4.1: 51 of 1,613,616 alleles (0.0032%); highest among the groups gnomAD compares: African/African-American, 0.031%; no homozygotes.

Submissions (3):

Ambry Genetics
Classification: Uncertain significance. Last evaluated: 2025-11-26. Review status: criteria provided, single submitter. Criteria: Ambry Variant Classification Scheme 2023. Collection method: clinical testing. Allele origin: germline.

Labcorp Genetics (formerly Invitae), Labcorp
Classification: Uncertain significance. Last evaluated: 2025-10-08. Review status: criteria provided, single submitter. Criteria: Invitae Variant Classification Sherloc (09022015). Collection method: clinical testing. Allele origin: germline.
Comment: This sequence change replaces valine, which is neutral and non-polar, with isoleucine, which is neutral and non-polar, at codon 728 of the KSR2 protein (p.Val728Ile). This variant is present in population databases (rs371702381, gnomAD 0.05%). This variant has not been reported in the literature in individuals affected with KSR2-related conditions. ClinVar contains an entry for this variant (Variation ID: 2633087). An algorithm developed to predict the effect of missense changes on protein structure and function (PolyPhen-2) suggests that this variant is likely to be tolerated. In summary, the available evidence is currently insufficient to determine the role of this variant in disease. Therefore, it has been classified as a Variant of Uncertain Significance.

PreventionGenetics, part of Exact Sciences
Classification: Uncertain significance for KSR2-related condition. Last evaluated: 2023-12-30. Review status: no assertion criteria provided. Collection method: clinical testing. Allele origin: germline. Not counted in ClinVar's aggregate classification.
Comment: The KSR2 c.2182G>A variant is predicted to result in the amino acid substitution p.Val728Ile. To our knowledge, this variant has not been reported in the literature. This variant is reported in 0.054% of alleles in individuals of African descent in gnomAD, which may be too common to be a primary cause of disease. Although we suspect that this variant may be benign, at this time, the clinical significance of this variant is uncertain due to the absence of conclusive functional and genetic evidence.